The following is an entry in ClinVar:

NM_198241.3(EIF4G1):c.3775A>T (p.Met1259Leu)

Gene: EIF4G1 (eukaryotic translation initiation factor 4 gamma 1; plus strand). Cytogenetic location: 3q27.1.
Variant type: single nucleotide variant.
Coding change: c.3775A>T on transcript NM_198241.3 (MANE Select); coding-DNA position 3775, A replaced by T.
Protein change: p.Met1259Leu; replaces methionine 1259 with leucine.
Molecular consequence: missense variant.
Genome position (GRCh38, 1-based): chr3:184,327,699, A>T. VCF-style: chr3-184327699-A-T. GRCh37 (hg19) VCF-style: chr3-184045487-A-T.
Other names: c.3796A>T, p.Met1266Leu (NM_001194946.2, NM_001194947.2); c.3655A>T, p.Met1219Leu (NM_001291157.2); c.3190A>T, p.Met1064Leu (NM_004953.5); c.3778A>T, p.Met1260Leu (NM_182917.4); c.3283A>T, p.Met1095Leu (NM_198242.3); c.3514A>T, p.Met1172Leu (NM_198244.3); short protein forms M1064L, M1095L, M1172L, M1219L, M1259L, M1260L, M1266L.
Identifiers: ClinVar variation 3235045 (VCV003235045.1), dbSNP rs753764322, ClinGen allele CA355416359.

ClinVar aggregate classification (germline): Uncertain significance (1 of 4 stars; one submission).

Conditions:
Parkinson disease 18, autosomal dominant, susceptibility to. Identifiers: Orphanet 411602, MedGen C3280271, MONDO:0013653, OMIM 614251.

Submission:

Neuberg Centre For Genomic Medicine, NCGM
Classification: Uncertain significance for Parkinson disease 18, autosomal dominant, susceptibility to. Review status: criteria provided, single submitter. Criteria: ACMG Guidelines, 2015. Collection method: clinical testing. Allele origin: germline. Inheritance: Autosomal dominant inheritance. Affected: yes.
Comment: The missense c.3775A>T p.Met1259Leu variant in EIF4G1 gene has not been reported previously as a pathogenic variant nor as a benign variant, to our knowledge. The p.Met1259Leu variant is novel not in any individuals in gnomAD Exomes and 1000 Genomes. This variant has not been reported to the ClinVar database. The amino acid change p.Met1259Leu in EIF4G1 is predicted as conserved by GERP++ and PhyloP across 100 vertebrates. The amino acid Met at position 1259 is changed to a Leu changing protein sequence and it might alter its composition and physico-chemical properties. For these reasons, this variant has been classified as a Variant of Uncertain Significance VUS.